The following is an entry in ClinVar:

ClinVar aggregate classification (germline): Uncertain significance (1 of 4 stars; one submission).

Submission:

Labcorp Genetics (formerly Invitae), Labcorp
Classification: Uncertain significance. Last evaluated: 2023-10-13. Review status: criteria provided, single submitter. Criteria: Invitae Variant Classification Sherloc (09022015). Collection method: clinical testing. Allele origin: germline.
Comment: This variant, c.3033_3034delinsAT, is a complex sequence change that results in the deletion of 2 and insertion of 2 amino acid(s) in the CACNA1G protein (p.Asp1011_Gly1012delinsGluCys). Information on the frequency of this variant in the gnomAD database is not available, as this variant may be reported differently in the database. This variant has not been reported in the literature in individuals affected with CACNA1G-related conditions. Experimental studies and prediction algorithms are not available or were not evaluated, and the functional significance of this variant is currently unknown. In summary, the available evidence is currently insufficient to determine the role of this variant in disease. Therefore, it has been classified as a Variant of Uncertain Significance.

NM_018896.5(CACNA1G):c.3033_3034delinsAT (p.Asp1011_Gly1012delinsGluCys)

Gene: CACNA1G (calcium voltage-gated channel subunit alpha1 G; plus strand). Cytogenetic location: 17q21.33.
Variant type: Indel.
Coding change: c.3033_3034delinsAT on transcript NM_018896.5 (MANE Select); coding-DNA positions 3033 to 3034, TG replaced by AT.
Protein change: p.Asp1011_Gly1012delinsGluCys.
Molecular consequence: missense variant. On other transcripts: non-coding transcript variant (5).
Genome position (GRCh38, 1-based): chr17:50,596,615-50,596,616, TG replaced by AT. VCF-style: chr17-50596615-TG-AT. GRCh37 (hg19) VCF-style: chr17-48673976-TG-AT.
Other names: c.3033_3034delinsAT, p.Asp1011_Gly1012delinsGluCys (NM_001256324.2, NM_001256325.2, NM_001256326.2 and 16 more transcripts); c.2964_2965delinsAT, p.Asp988_Gly989delinsGluCys (NM_001256332.2, NM_198376.3, NM_198379.3 and 5 more transcripts).
Identifiers: ClinVar variation 2956113 (VCV002956113.3), dbSNP rs2545357271, ClinGen allele CA2740093787.
Genomic context (GRCh38, chr17:50,596,615, plus strand): 5'-GCCCTAGGGAGATGCCAACAAGTCCGAATCAGAGCCCGATTTCTTCTCACCCAGCCTGGA[TG>AT]GTGATGGGGACAGGAAGAAGTGCTTGGCCTGTGAGTACCTATCCTGGGGTGCGACTTTTG-3'